The following is an entry in ClinVar:

ClinVar aggregate classification (germline): Uncertain significance (1 of 4 stars; one submission).

Allele frequency attached by ClinVar (database versions not stated): gnomAD exomes below 0.00001.
gnomAD v4.1: 1 of 1,614,054 alleles (0.000062%); highest among the groups gnomAD compares: Admixed American, 0.0017%; no homozygotes.

Submission:

Labcorp Genetics (formerly Invitae), Labcorp
Classification: Uncertain significance. Last evaluated: 2022-02-20. Review status: criteria provided, single submitter. Criteria: Invitae Variant Classification Sherloc (09022015). Collection method: clinical testing. Allele origin: germline.
Comment: This sequence change replaces isoleucine, which is neutral and non-polar, with methionine, which is neutral and non-polar, at codon 871 of the EGF protein (p.Ile871Met). This variant is not present in population databases (gnomAD no frequency). This variant has not been reported in the literature in individuals affected with EGF-related conditions. Algorithms developed to predict the effect of missense changes on protein structure and function output the following: SIFT: "Not Available"; PolyPhen-2: "Benign"; Align-GVGD: "Not Available". The methionine amino acid residue is found in multiple mammalian species, which suggests that this missense change does not adversely affect protein function. In summary, the available evidence is currently insufficient to determine the role of this variant in disease. Therefore, it has been classified as a Variant of Uncertain Significance.

NM_001963.6(EGF):c.2613A>G (p.Ile871Met)

Gene: EGF (epidermal growth factor; plus strand). Cytogenetic location: 4q25.
Variant type: single nucleotide variant.
Coding change: c.2613A>G on transcript NM_001963.6 (MANE Select); coding-DNA position 2613, A replaced by G.
Protein change: p.Ile871Met; replaces isoleucine 871 with methionine.
Molecular consequence: missense variant. On other transcripts: intron variant (1).
Genome position (GRCh38, 1-based): chr4:109,988,588, A>G. VCF-style: chr4-109988588-A-G. GRCh37 (hg19) VCF-style: chr4-110909744-A-G.
Other names: c.2613A>G, p.Ile871Met (NM_001178130.3); c.2487A>G, p.Ile829Met (NM_001178131.3); c.2366-4659A>G (NM_001357021.2); short protein forms I829M, I871M.
Identifiers: ClinVar variation 1967735 (VCV001967735.5), dbSNP rs2545871657, ClinGen allele CA357886251.